The following is an entry in ClinVar:

ClinVar aggregate classification (germline): Likely pathogenic (1 of 4 stars; one submission).

Conditions:
LAMA2-related muscular dystrophy (LAMA2-RD). Also called: Laminin alpha 2-related dystrophy. Identifiers: MedGen C5679788, MONDO:0100228.

Submission:

Myriad Genetics, Inc.
Classification: Likely pathogenic for LAMA2-related muscular dystrophy. Last evaluated: 2020-02-29. Review status: criteria provided, single submitter. Criteria: Myriad Autosomal Dominant, Autosomal Recessive and X-Linked Classification Criteria (2023). Collection method: clinical testing. Allele origin: unknown.
Comment: NM_000426.3(LAMA2):c.5674C>T(Q1892*) is expected to be pathogenic in the context of LAMA2-related muscular dystrophy. This variant is predicted to lead to an abnormal or absent protein product due to the creation of a premature termination codon in LAMA2, a gene where loss-of-function variants are known to be pathogenic. Please note: this variant was assessed in the context of healthy population screening.

NM_000426.4(LAMA2):c.5674C>T (p.Gln1892Ter)

Gene: LAMA2 (laminin subunit alpha 2; plus strand). Cytogenetic location: 6q22.33.
Variant type: single nucleotide variant.
Coding change: c.5674C>T on transcript NM_000426.4 (MANE Select); coding-DNA position 5674, C replaced by T.
Protein change: p.Gln1892Ter; replaces glutamine 1892 with a stop codon.
Molecular consequence: nonsense.
Genome position (GRCh38, 1-based): chr6:129,402,435, C>T. VCF-style: chr6-129402435-C-T. GRCh37 (hg19) VCF-style: chr6-129723580-C-T.
Other names: c.5674C>T, p.Gln1892Ter (NM_001079823.2); short protein forms Q1892*.
Identifiers: ClinVar variation 984208 (VCV000984208.4), dbSNP rs1462522184, ClinGen allele CA365616443.